The following is an entry in ClinVar:

ClinVar aggregate classification (germline): Uncertain significance (1 of 4 stars; one submission).

Conditions:
Cardiovascular phenotype. Identifiers: MedGen CN230736.

Allele frequency attached by ClinVar (database versions not stated): ExAC 0.00001.
gnomAD v4.1: 3 of 1,613,906 alleles (0.00019%); highest among the groups gnomAD compares: Non-Finnish European, 0.00025%; no homozygotes.

Submission:

Ambry Genetics
Classification: Uncertain significance for Cardiovascular phenotype. Last evaluated: 2022-06-19. Review status: criteria provided, single submitter. Criteria: Ambry Variant Classification Scheme 2023. Collection method: clinical testing. Allele origin: germline.
Comment: The p.R585L variant (also known as c.1754G>T), located in coding exon 16 of the ANK2 gene, results from a G to T substitution at nucleotide position 1754. The arginine at codon 585 is replaced by leucine, an amino acid with dissimilar properties. This amino acid position is conserved. In addition, the in silico prediction for this alteration is inconclusive. Since supporting evidence is limited at this time, the clinical significance of this alteration remains unclear.

NM_001148.6(ANK2):c.1754G>T (p.Arg585Leu)

Gene: ANK2 (ankyrin 2; plus strand). Cytogenetic location: 4q26.
Variant type: single nucleotide variant.
Coding change: c.1754G>T on transcript NM_001148.6 (MANE Select); coding-DNA position 1754, G replaced by T.
Protein change: p.Arg585Leu; replaces arginine 585 with leucine.
Molecular consequence: missense variant.
Genome position (GRCh38, 1-based): chr4:113,277,907, G>T. VCF-style: chr4-113277907-G-T. GRCh37 (hg19) VCF-style: chr4-114199063-G-T.
Other names: c.1691G>T, p.Arg564Leu (NM_001127493.3, NM_001354239.2, NM_001354243.2 and 14 more transcripts); c.1754G>T, p.Arg585Leu (NM_001354225.2, NM_001354228.2, NM_001354232.2 and 8 more transcripts); c.1799G>T, p.Arg600Leu (NM_001354230.2, NM_001354231.2, NM_001354237.2 and 5 more transcripts); c.1667G>T, p.Arg556Leu (NM_001354249.2, NM_001354260.2, NM_001354264.2 and 13 more transcripts); c.1712G>T, p.Arg571Leu (NM_001354261.2, NM_001386147.1, NM_001386160.1); c.1544G>T, p.Arg515Leu (NM_001354269.3); c.1556G>T, p.Arg519Leu (NM_001354273.2); c.1469G>T, p.Arg490Leu (NM_001354277.2, NM_001386157.1, NM_001386158.1); and 4 more; short protein forms R564L, R571L, R573L, R515L, R519L, R556L, R602L, R490L.
Identifiers: ClinVar variation 1779449 (VCV001779449.2), dbSNP rs755757246, ClinGen allele CA3050362.